The following is an entry in ClinVar:

ClinVar aggregate classification (germline): Benign. Review status: criteria provided, multiple submitters, no conflicts (2 of 4 stars). 3 submissions from 3 submitters: Benign (3). Last evaluated 2021-06-10.

Conditions:
Deficiency of alpha-mannosidase (MANSA). Also called: Mannosidosis, alpha-, types I and II; Alpha-Mannosidosis; LYSOSOMAL ALPHA-D-MANNOSIDASE DEFICIENCY. Identifiers: Orphanet 61, MedGen C0024748, MONDO:0009561, OMIM 248500.

Allele frequency attached by ClinVar (database versions not stated): 1000 Genomes Project 0.51917; 1000 Genomes Project 30x 0.52545; gnomAD exomes 0.62019; gnomAD 0.64760 and 0.66212; TOPMed 0.65247.
gnomAD v4.1: 773,185 of 1,240,640 alleles (62%); highest among the groups gnomAD compares: African/African-American, 70%; 251,185 homozygotes.

Submissions (3):

Genome-Nilou Lab
Classification: Benign for Deficiency of alpha-mannosidase. Last evaluated: 2021-06-10. Review status: criteria provided, single submitter. Criteria: ACMG Guidelines, 2015. Collection method: clinical testing. Allele origin: germline. Affected: no.

GeneDx
Classification: Benign. Last evaluated: 2018-06-19. Review status: criteria provided, single submitter. Criteria: GeneDx Variant Classification (06012015). Collection method: clinical testing. Allele origin: germline. Affected: yes.
Comment: This variant is considered likely benign or benign based on one or more of the following criteria: it is a conservative change, it occurs at a poorly conserved position in the protein, it is predicted to be benign by multiple in silico algorithms, and/or has population frequency not consistent with disease.

Breakthrough Genomics
Classification: Benign. Review status: criteria provided, single submitter. Criteria: ACMG Guidelines, 2015. Collection method: not provided. Allele origin: germline. Inheritance: Autosomal recessive inheritance. Affected: yes.

NM_000528.4(MAN2B1):c.2267+63A>G

Gene: MAN2B1 (mannosidase alpha class 2B member 1; minus strand). Cytogenetic location: 19p13.13.
Variant type: single nucleotide variant.
Coding change: c.2267+63A>G on transcript NM_000528.4 (MANE Select); 63 bases into the intron after coding-DNA position 2267, A replaced by G.
Molecular consequence: intron variant.
Genome position (GRCh38, 1-based): chr19:12,649,850, T>C on the plus strand (A>G on the coding strand, the complement: MAN2B1 is on the minus strand). VCF-style: chr19-12649850-T-C. GRCh37 (hg19) VCF-style: chr19-12760664-T-C.
Other names: c.2264+63A>G (NM_001173498.2).
Identifiers: ClinVar variation 684379 (VCV000684379.5), dbSNP rs3815914, ClinGen allele CA14635919.